The following is an entry in ClinVar:

NM_001103.4(ACTN2):c.1212G>T (p.Glu404Asp)

Gene: ACTN2 (actinin alpha 2; plus strand). Cytogenetic location: 1q43.
Variant type: single nucleotide variant.
Coding change: c.1212G>T on transcript NM_001103.4 (MANE Select); coding-DNA position 1212, G replaced by T.
Protein change: p.Glu404Asp; replaces glutamic acid 404 with aspartic acid.
Molecular consequence: missense variant.
Genome position (GRCh38, 1-based): chr1:236,743,000, G>T. VCF-style: chr1-236743000-G-T. GRCh37 (hg19) VCF-style: chr1-236906300-G-T.
Other names: c.1212G>T, p.Glu404Asp (NM_001278343.2); c.588G>T, p.Glu196Asp (NM_001278344.2); short protein forms E404D, E196D.
Identifiers: ClinVar variation 574841 (VCV000574841.9), dbSNP rs1379352019, ClinGen allele CA345382377.

ClinVar aggregate classification (germline): Uncertain significance (1 of 4 stars; one submission).

Conditions:
Primary familial hypertrophic cardiomyopathy (HCM). Identifiers: Orphanet 99739, MedGen C0949658, MeSH D024741, MONDO:0024573. Inheritance: Various modes of inheritance.
Dilated cardiomyopathy 1AA (CMD1AA). Also called: CARDIOMYOPATHY, DILATED, 1AA, WITH OR WITHOUT LEFT VENTRICULAR NONCOMPACTION; CARDIOMYOPATHY, FAMILIAL HYPERTROPHIC, 23, WITH OR WITHOUT LEFT VENTRICULAR NONCOMPACTION; Cardiomyopathy, dilated, 1AA, with or without LVNC. Identifiers: Orphanet 154, MedGen C2677338, MONDO:0012808, OMIM 612158.

Submission:

Labcorp Genetics (formerly Invitae), Labcorp
Classification: Uncertain significance for Primary familial hypertrophic cardiomyopathy; Dilated cardiomyopathy 1AA. Last evaluated: 2024-04-29. Review status: criteria provided, single submitter. Criteria: Invitae Variant Classification Sherloc (09022015). Collection method: clinical testing. Allele origin: germline.
Comment: This sequence change replaces glutamic acid, which is acidic and polar, with aspartic acid, which is acidic and polar, at codon 404 of the ACTN2 protein (p.Glu404Asp). This variant is not present in population databases (gnomAD no frequency). This variant has not been reported in the literature in individuals affected with ACTN2-related conditions. ClinVar contains an entry for this variant (Variation ID: 574841). Advanced modeling of protein sequence and biophysical properties (such as structural, functional, and spatial information, amino acid conservation, physicochemical variation, residue mobility, and thermodynamic stability) performed at Invitae indicates that this missense variant is not expected to disrupt ACTN2 protein function with a negative predictive value of 80%. In summary, the available evidence is currently insufficient to determine the role of this variant in disease. Therefore, it has been classified as a Variant of Uncertain Significance.